The following is an entry in ClinVar:

NM_203288.2(RP9):c.244del (p.Glu82fs)

Gene: RP9 (RP9 pre-mRNA splicing factor; minus strand). Cytogenetic location: 7p14.3.
Variant type: Deletion.
Coding change: c.244del on transcript NM_203288.2 (MANE Select); coding-DNA position 244, one base deleted (G; older notation c.244delG).
Protein change: p.Glu82fs; shifts the reading frame from glutamic acid 82.
Molecular consequence: frameshift variant.
Genome position (GRCh38, 1-based): chr7:33,099,376, C deleted on the plus strand (G on the coding strand, the reverse complement: RP9 is on the minus strand); the first of 3 consecutive C bases (chr7:33,099,376-33,099,378); deleting any one gives the same sequence. VCF-style (leftmost placement, unchanged base first): chr7-33099375-TC-T. GRCh37 (hg19) VCF-style: chr7-33138987-TC-T.
Other names: short protein forms E82fs.
Identifiers: ClinVar variation 2017590 (VCV002017590.4), dbSNP rs2534914042, ClinGen allele CA2580077054.
Genomic context (GRCh38, chr7:33,099,375, plus strand): 5'-ACTTTGACTTCTTTCCCCAGTGGCATCCAAAGTCCTTTAGTTGGTGCATGAGCCAGAAAT[TC>T]CCTGGCGTGTTCATTGCCTGGTACATCTGGTATGCAATCTTCTGGCTTAGTCTCATCTTC-3'

ClinVar aggregate classification (germline): Uncertain significance (1 of 4 stars; one submission).

Submission:

Labcorp Genetics (formerly Invitae), Labcorp
Classification: Uncertain significance. Last evaluated: 2022-07-15. Review status: criteria provided, single submitter. Criteria: Invitae Variant Classification Sherloc (09022015). Collection method: clinical testing. Allele origin: germline.
Comment: This variant is not present in population databases (gnomAD no frequency). This variant has not been reported in the literature in individuals affected with RP9-related conditions. In summary, the available evidence is currently insufficient to determine the role of this variant in disease. Therefore, it has been classified as a Variant of Uncertain Significance. This sequence change creates a premature translational stop signal (p.Glu82Asnfs*49) in the RP9 gene. It is expected to result in an absent or disrupted protein product. However, the current clinical and genetic evidence is not sufficient to establish whether loss-of-function variants in RP9 cause disease.